The following is an entry in ClinVar:

NM_000052.7(ATP7A):c.395C>A (p.Ser132Tyr)

Gene: ATP7A (ATPase copper transporting alpha; plus strand). Cytogenetic location: Xq21.1.
Variant type: single nucleotide variant.
Coding change: c.395C>A on transcript NM_000052.7 (MANE Select); coding-DNA position 395, C replaced by A.
Protein change: p.Ser132Tyr; replaces serine 132 with tyrosine.
Molecular consequence: missense variant.
Genome position (GRCh38, 1-based): chrX:77,988,516, C>A. VCF-style: chrX-77988516-C-A. GRCh37 (hg19) VCF-style: chrX-77244012-C-A.
Other names: c.395C>A, p.Ser132Tyr (NM_001282224.2); short protein forms S132Y.
Identifiers: ClinVar variation 3753795 (VCV003753795.2).
Genomic context (GRCh38, chrX:77,988,516, plus strand): 5'-GTGTGACAGACATTAAAATTTACCCTCAGAAAAGAACTGTAGCAGTGACAATAATCCCTT[C>A]TATAGTGAATGCCAATCAGATAAAAGAGCTGGTTCCAGAACTCAGTTTAGATACTGGGAC-3'
Protein context (NP_000043.4, residues 122-142): KRTVAVTIIP[Ser132Tyr]IVNANQIKEL

ClinVar aggregate classification (germline): Uncertain significance (1 of 4 stars; one submission).

Conditions:
Menkes kinky-hair syndrome (MNK). Also called: Copper transport disease; Menkes Disease; Classic Menkes Disease. Identifiers: Orphanet 565, MedGen C0022716, MONDO:0010651, OMIM 309400.
X-linked distal spinal muscular atrophy type 3. Also called: ATP7A-Related Distal Motor Neuropathy; SPINAL MUSCULAR ATROPHY, DISTAL, X-LINKED RECESSIVE; NEURONOPATHY, DISTAL HEREDITARY MOTOR, X-LINKED; NEUROPATHY, DISTAL HEREDITARY MOTOR, X-LINKED. Identifiers: Orphanet 139557, MedGen C1845359, MONDO:0010338, OMIM 300489.
Cutis laxa, X-linked (OHS). Also called: EDS IX; Occipital horn syndrome. Identifiers: Orphanet 198, MedGen C0268353, MONDO:0010572, OMIM 304150.

Submission:

Labcorp Genetics (formerly Invitae), Labcorp
Classification: Uncertain significance for X-linked distal spinal muscular atrophy type 3; Cutis laxa, X-linked; Menkes kinky-hair syndrome. Last evaluated: 2024-07-09. Review status: criteria provided, single submitter. Criteria: Invitae Variant Classification Sherloc (09022015). Collection method: clinical testing. Allele origin: germline.
Comment: This sequence change replaces serine, which is neutral and polar, with tyrosine, which is neutral and polar, at codon 132 of the ATP7A protein (p.Ser132Tyr). This variant is not present in population databases (gnomAD no frequency). This variant has not been reported in the literature in individuals affected with ATP7A-related conditions. Advanced modeling of protein sequence and biophysical properties (such as structural, functional, and spatial information, amino acid conservation, physicochemical variation, residue mobility, and thermodynamic stability) performed at Invitae indicates that this missense variant is not expected to disrupt ATP7A protein function with a negative predictive value of 95%. In summary, the available evidence is currently insufficient to determine the role of this variant in disease. Therefore, it has been classified as a Variant of Uncertain Significance.